The following is an entry in ClinVar:

ClinVar aggregate classification (germline): Uncertain significance. Review status: criteria provided, multiple submitters, no conflicts (2 of 4 stars). 2 submissions from 2 submitters: Uncertain significance (2). Last evaluated 2026-01-08.

Conditions:
Hereditary cancer-predisposing syndrome. Also called: Tumor predisposition; Neoplastic Syndromes, Hereditary; Hereditary Cancer Syndrome; Hereditary neoplastic syndrome. Identifiers: Orphanet 140162, MedGen C0027672, MeSH D009386, MONDO:0015356.

Allele frequency attached by ClinVar (database versions not stated): TOPMed 0.00003.
gnomAD v4.1: 4 of 1,613,712 alleles (0.00025%); highest among the groups gnomAD compares: Non-Finnish European, 0.00034%; no homozygotes.

Submissions (2):

Ambry Genetics
Classification: Uncertain significance for Hereditary cancer-predisposing syndrome. Last evaluated: 2026-01-08. Review status: criteria provided, single submitter. Criteria: Ambry Variant Classification Scheme 2023. Collection method: clinical testing. Allele origin: germline.
Comment: The p.P441A variant (also known as c.1321C>G), located in coding exon 13 of the POLE gene, results from a C to G substitution at nucleotide position 1321. The proline at codon 441 is replaced by alanine, an amino acid with highly similar properties. This amino acid position is highly conserved in available vertebrate species. In addition, the in silico prediction for this alteration is inconclusive. Based on the available evidence, the clinical significance of this alteration remains unclear.

Labcorp Genetics (formerly Invitae), Labcorp
Classification: Uncertain significance. Last evaluated: 2022-09-24. Review status: criteria provided, single submitter. Criteria: Invitae Variant Classification Sherloc (09022015). Collection method: clinical testing. Allele origin: germline.
Comment: This sequence change replaces proline, which is neutral and non-polar, with alanine, which is neutral and non-polar, at codon 441 of the POLE protein (p.Pro441Ala). This variant is not present in population databases (gnomAD no frequency). This variant has not been reported in the literature in individuals affected with POLE-related conditions. ClinVar contains an entry for this variant (Variation ID: 818922). Advanced modeling of protein sequence and biophysical properties (such as structural, functional, and spatial information, amino acid conservation, physicochemical variation, residue mobility, and thermodynamic stability) has been performed at Invitae for this missense variant, however the output from this modeling did not meet the statistical confidence thresholds required to predict the impact of this variant on POLE protein function. In summary, the available evidence is currently insufficient to determine the role of this variant in disease. Therefore, it has been classified as a Variant of Uncertain Significance.

NM_006231.4(POLE):c.1321C>G (p.Pro441Ala)

Gene: POLE (DNA polymerase epsilon, catalytic subunit; minus strand). Cytogenetic location: 12q24.33.
Variant type: single nucleotide variant.
Coding change: c.1321C>G on transcript NM_006231.4 (MANE Select); coding-DNA position 1321, C replaced by G.
Protein change: p.Pro441Ala; replaces proline 441 with alanine.
Molecular consequence: missense variant.
Genome position (GRCh38, 1-based): chr12:132,673,613, G>C on the plus strand (C>G on the coding strand, the complement: POLE is on the minus strand). VCF-style: chr12-132673613-G-C. GRCh37 (hg19) VCF-style: chr12-133250199-G-C.
Other names: short protein forms P441A.
Identifiers: ClinVar variation 818922 (VCV000818922.13), dbSNP rs1005538045, ClinGen allele CA246294628.